The following is an entry in ClinVar:

NM_001369.3(DNAH5):c.8173T>A (p.Ser2725Thr)

Gene: DNAH5 (dynein axonemal heavy chain 5; minus strand). Cytogenetic location: 5p15.2.
Variant type: single nucleotide variant.
Coding change: c.8173T>A on transcript NM_001369.3 (MANE Select); coding-DNA position 8173, T replaced by A.
Protein change: p.Ser2725Thr; replaces serine 2725 with threonine.
Molecular consequence: missense variant.
Genome position (GRCh38, 1-based): chr5:13,793,566, A>T on the plus strand (T>A on the coding strand, the complement: DNAH5 is on the minus strand). VCF-style: chr5-13793566-A-T. GRCh37 (hg19) VCF-style: chr5-13793675-A-T.
Other names: short protein forms S2725T.
Identifiers: ClinVar variation 4013096 (VCV004013096.1).
Genomic context (GRCh38, chr5:13,793,566, plus strand): 5'-GATCTTTACCAAAGATCTTGTCCACAGAAGCTTCAGAGGGCAACGTGCAATTAAATATAG[A>T]GAACTGCCTCTTGAGTCTTTGGGGTATGTCATTGCGTCCACCACCAGGATGGATCATGGC-3'
Protein context (NP_001360.1, residues 2715-2735): DIPQRLKRQF[Ser2725Thr]IFNCTLPSEA

ClinVar aggregate classification (germline): Uncertain significance (1 of 4 stars; one submission).

Conditions:
Primary ciliary dyskinesia. Also called: Ciliary dyskinesia. Identifiers: Orphanet 244, MedGen C0008780, MONDO:0016575, HP:0012265.

Submission:

Ambry Genetics
Classification: Uncertain significance for Primary ciliary dyskinesia. Last evaluated: 2025-03-30. Review status: criteria provided, single submitter. Criteria: Ambry Variant Classification Scheme 2023. Collection method: clinical testing. Allele origin: germline.
Comment: The p.S2725T variant (also known as c.8173T>A), located in coding exon 49 of the DNAH5 gene, results from a T to A substitution at nucleotide position 8173. The serine at codon 2725 is replaced by threonine, an amino acid with similar properties. This amino acid position is conserved. In addition, this alteration is predicted to be tolerated by in silico analysis. Based on the available evidence, the clinical significance of this variant remains unclear.